The following is an entry in ClinVar:

ClinVar aggregate classification (germline): Benign (1 of 4 stars; one submission).

Allele frequency attached by ClinVar (database versions not stated): ESP Exome Variant Server 0.11964; gnomAD 0.13319; TOPMed 0.14177; ExAC 0.15048; 1000 Genomes Project 30x 0.15256; 1000 Genomes Project 0.15495.
gnomAD v4.1: 209,950 of 1,611,956 alleles (13%); highest among the groups gnomAD compares: Admixed American, 27%; 15,172 homozygotes.

Submission:

Unidad de Genómica Garrahan, Hospital de Pediatría Garrahan
Classification: Benign. Last evaluated: 2024-01-24. Review status: criteria provided, single submitter. Criteria: ACMG Guidelines, 2015. Collection method: clinical testing. Allele origin: germline. Affected: no. Observed: 43 variant alleles.
Comment: This variant is classified as Benign based on local population frequency. This variant was detected in 45% of patients studied by a panel of primary immunodeficiencies. Number of patients: 43. Only high quality variants are reported.

NM_001144958.2(CRACR2A):c.417G>A (p.Lys139=)

Gene: CRACR2A (calcium release activated channel regulator 2A; minus strand). Cytogenetic location: 12p13.32.
Variant type: single nucleotide variant.
Coding change: c.417G>A on transcript NM_001144958.2 (MANE Select); coding-DNA position 417, G replaced by A.
Protein change: p.Lys139=; no amino-acid change (lysine 139 retained).
Molecular consequence: synonymous variant.
Genome position (GRCh38, 1-based): chr12:3,679,022, C>T on the plus strand (G>A on the coding strand, the complement: CRACR2A is on the minus strand). VCF-style: chr12-3679022-C-T. GRCh37 (hg19) VCF-style: chr12-3788188-C-T.
Other names: c.417G>A, p.Lys139= (NM_032680.4).
Identifiers: ClinVar variation 2688141 (VCV002688141.2), dbSNP rs3803135, ClinGen allele CA6394709.